The following is an entry in ClinVar:

NM_002875.5(RAD51):c.1014A>C (p.Lys338Asn)

Gene: RAD51 (RAD51 recombinase; plus strand). Cytogenetic location: 15q15.1.
Variant type: single nucleotide variant.
Coding change: c.1014A>C on transcript NM_002875.5 (MANE Select); coding-DNA position 1014, A replaced by C.
Protein change: p.Lys338Asn; replaces lysine 338 with asparagine.
Molecular consequence: missense variant. On other transcripts: 3 prime UTR variant (1).
Genome position (GRCh38, 1-based): chr15:40,731,172, A>C. VCF-style: chr15-40731172-A-C. GRCh37 (hg19) VCF-style: chr15-41023370-A-C.
Other names: c.1017A>C, p.Lys339Asn (NM_001164269.2, NM_133487.4); c.*49A>C (NM_001164270.2); short protein forms K338N, K339N.
Identifiers: ClinVar variation 3222836 (VCV003222836.1), dbSNP rs2141887257, ClinGen allele CA391761317.

ClinVar aggregate classification (germline): Uncertain significance (1 of 4 stars; one submission).

Conditions:
Inborn genetic diseases. Identifiers: MedGen C0950123, MeSH D030342.

Submission:

Ambry Genetics
Classification: Uncertain significance for Inborn genetic diseases. Last evaluated: 2024-02-02. Review status: criteria provided, single submitter. Criteria: Ambry Variant Classification Scheme 2023. Collection method: clinical testing. Allele origin: germline.
Comment: The p.K338N variant (also known as c.1014A>C), located in coding exon 9 of the RAD51 gene, results from an A to C substitution at nucleotide position 1014. The lysine at codon 338 is replaced by asparagine, an amino acid with similar properties. This amino acid position is conserved. In addition, this alteration is predicted to be tolerated by in silico analysis. Based on the available evidence, the clinical significance of this alteration remains unclear.